The following is an entry in ClinVar:

ClinVar aggregate classification (germline): Likely benign. Review status: criteria provided, multiple submitters, no conflicts (2 of 4 stars). 2 submissions from 2 submitters: Likely benign (2). Last evaluated 2025-10-22.

Conditions:
DNA ligase IV deficiency. Identifiers: Orphanet 99812, MedGen C1847827, MONDO:0011686, OMIM 606593.

Allele frequency attached by ClinVar (database versions not stated): gnomAD exomes below 0.00001; gnomAD 0.00005 and 0.00006; 1000 Genomes Project 30x 0.00016; TOPMed 0.00017; 1000 Genomes Project 0.00020.
gnomAD v4.1: 15 of 1,603,222 alleles (0.00094%); highest among the groups gnomAD compares: Admixed American, 0.014%; no homozygotes.

Submissions (2):

Mayo Clinic Laboratories, Mayo Clinic
Classification: Likely benign. Last evaluated: 2025-10-22. Review status: criteria provided, single submitter. Criteria: ACMG Guidelines, 2015. Collection method: clinical testing. Allele origin: germline. Observed: 1 variant allele.
Comment: BP4, BP7

Labcorp Genetics (formerly Invitae), Labcorp
Classification: Likely benign for DNA ligase IV deficiency. Last evaluated: 2025-08-20. Review status: criteria provided, single submitter. Criteria: Invitae Variant Classification Sherloc (09022015). Collection method: clinical testing. Allele origin: germline.

NM_206937.2(LIG4):c.208C>T (p.Leu70=)

Gene: LIG4 (DNA ligase 4; minus strand). Cytogenetic location: 13q33.3.
Variant type: single nucleotide variant.
Coding change: c.208C>T on transcript NM_206937.2 (MANE Select); coding-DNA position 208, C replaced by T.
Protein change: p.Leu70=; no amino-acid change (leucine 70 retained).
Molecular consequence: synonymous variant.
Genome position (GRCh38, 1-based): chr13:108,211,061, G>A on the plus strand (C>T on the coding strand, the complement: LIG4 is on the minus strand). VCF-style: chr13-108211061-G-A. GRCh37 (hg19) VCF-style: chr13-108863409-G-A.
Other names: p.Leu70=; c.208C>T, p.Leu70= (NM_001098268.2, NM_001352598.2, NM_001352599.2 and 6 more transcripts); c.7C>T, p.Leu3= (NM_001330595.2); c.244C>T, p.Leu82= (NM_001352604.2).
Identifiers: ClinVar variation 701060 (VCV000701060.12), dbSNP rs193107403, ClinGen allele CA256182867.